The following is an entry in ClinVar:

ClinVar aggregate classification (germline): Uncertain significance. Review status: criteria provided, multiple submitters, no conflicts (2 of 4 stars). 2 submissions from 2 submitters: Uncertain significance (2). Last evaluated 2024-10-12.

Allele frequency attached by ClinVar (database versions not stated): gnomAD exomes below 0.00001; ExAC 0.00001.
gnomAD v4.1: 2 of 1,612,342 alleles (0.00012%); highest among the groups gnomAD compares: East Asian, 0.0045%; no homozygotes.

Submissions (2):

Labcorp Genetics (formerly Invitae), Labcorp
Classification: Uncertain significance. Last evaluated: 2024-10-12. Review status: criteria provided, single submitter. Criteria: Invitae Variant Classification Sherloc (09022015). Collection method: clinical testing. Allele origin: germline.
Comment: This sequence change replaces proline, which is neutral and non-polar, with leucine, which is neutral and non-polar, at codon 291 of the NPAT protein (p.Pro291Leu). This variant is present in population databases (rs747124701, gnomAD 0.006%). This variant has not been reported in the literature in individuals affected with NPAT-related conditions. ClinVar contains an entry for this variant (Variation ID: 1764471). An algorithm developed to predict the effect of missense changes on protein structure and function (PolyPhen-2) suggests that this variant is likely to be disruptive. In summary, the available evidence is currently insufficient to determine the role of this variant in disease. Therefore, it has been classified as a Variant of Uncertain Significance.

Ambry Genetics
Classification: Uncertain significance. Last evaluated: 2021-07-12. Review status: criteria provided, single submitter. Criteria: Ambry Variant Classification Scheme 2023. Collection method: clinical testing. Allele origin: germline.
Comment: The p.P291L variant (also known as c.872C>T), located in coding exon 10 of the NPAT gene, results from a C to T substitution at nucleotide position 872. The proline at codon 291 is replaced by leucine, an amino acid with similar properties. This amino acid position is conserved. In addition, this alteration is predicted to be tolerated by in silico analysis. Since supporting evidence is limited at this time, the clinical significance of this alteration remains unclear.

NM_002519.3(NPAT):c.872C>T (p.Pro291Leu)

Gene: NPAT (nuclear protein, coactivator of histone transcription; minus strand). Cytogenetic location: 11q22.3.
Variant type: single nucleotide variant.
Coding change: c.872C>T on transcript NM_002519.3 (MANE Select); coding-DNA position 872, C replaced by T.
Protein change: p.Pro291Leu; replaces proline 291 with leucine.
Molecular consequence: missense variant.
Genome position (GRCh38, 1-based): chr11:108,185,266, G>A on the plus strand (C>T on the coding strand, the complement: NPAT is on the minus strand). VCF-style: chr11-108185266-G-A. GRCh37 (hg19) VCF-style: chr11-108055993-G-A.
Other names: c.872C>T, p.Pro291Leu (NM_001321307.1); short protein forms P291L.
Identifiers: ClinVar variation 1764471 (VCV001764471.4), dbSNP rs747124701, ClinGen allele CA6264158.